The following is an entry in ClinVar:

NM_001378452.1(ITPR1):c.6931+6C>T

Gene: ITPR1 (inositol 1,4,5-trisphosphate receptor type 1; plus strand). Cytogenetic location: 3p26.1.
Variant type: single nucleotide variant.
Coding change: c.6931+6C>T on transcript NM_001378452.1 (MANE Select); 6 bases into the intron after coding-DNA position 6931, C replaced by T.
Molecular consequence: intron variant.
Genome position (GRCh38, 1-based): chr3:4,795,193, C>T. VCF-style: chr3-4795193-C-T. GRCh37 (hg19) VCF-style: chr3-4836877-C-T.
Other names: c.6787+6C>T (NM_001099952.4); c.6886+6C>T (NM_001168272.2); c.6742+6C>T (NM_002222.7).
Identifiers: ClinVar variation 1970083 (VCV001970083.5), dbSNP rs770843035, ClinGen allele CA2232712.

ClinVar aggregate classification (germline): Uncertain significance (1 of 4 stars; one submission).

Allele frequency attached by ClinVar (database versions not stated): gnomAD exomes below 0.00001; ExAC 0.00001; gnomAD 0.00001.
gnomAD v4.1: 3 of 1,611,184 alleles (0.00019%); highest among the groups gnomAD compares: Admixed American, 0.005%; no homozygotes.

Submission:

Labcorp Genetics (formerly Invitae), Labcorp
Classification: Uncertain significance. Last evaluated: 2024-05-01. Review status: criteria provided, single submitter. Criteria: Invitae Variant Classification Sherloc (09022015). Collection method: clinical testing. Allele origin: germline.
Comment: This sequence change falls in intron 49 of the ITPR1 gene. It does not directly change the encoded amino acid sequence of the ITPR1 protein. It affects a nucleotide within the consensus splice site. This variant is present in population databases (rs770843035, gnomAD 0.006%). This variant has not been reported in the literature in individuals affected with ITPR1-related conditions. ClinVar contains an entry for this variant (Variation ID: 1970083). Variants that disrupt the consensus splice site are a relatively common cause of aberrant splicing (PMID: 17576681, 9536098). Algorithms developed to predict the effect of sequence changes on RNA splicing suggest that this variant is not likely to affect RNA splicing. In summary, the available evidence is currently insufficient to determine the role of this variant in disease. Therefore, it has been classified as a Variant of Uncertain Significance.

Literature cited by the submitters: PubMed 17576681; PubMed 9536098.